The following is an entry in ClinVar:

NM_001082486.2(ACD):c.1367C>T (p.Thr456Ile)

Gene: ACD (ACD shelterin complex subunit and telomerase recruitment factor; minus strand). Cytogenetic location: 16q22.1.
Variant type: single nucleotide variant.
Coding change: c.1367C>T on transcript NM_001082486.2 (MANE Select); coding-DNA position 1367, C replaced by T.
Protein change: p.Thr456Ile; replaces threonine 456 with isoleucine.
Molecular consequence: missense variant.
Genome position (GRCh38, 1-based): chr16:67,657,616, G>A on the plus strand (C>T on the coding strand, the complement: ACD is on the minus strand). VCF-style: chr16-67657616-G-A. GRCh37 (hg19) VCF-style: chr16-67691519-G-A.
Other names: c.1280C>T, p.Thr427Ile (NM_001410884.1); c.1358C>T, p.Thr453Ile (NM_022914.3); short protein forms T427I, T453I, T456I.
Identifiers: ClinVar variation 1776681 (VCV001776681.3), dbSNP rs2142965555, ClinGen allele CA396349508.

ClinVar aggregate classification (germline): Uncertain significance. Review status: criteria provided, multiple submitters, no conflicts (2 of 4 stars). 2 submissions from 2 submitters: Uncertain significance (2). Last evaluated 2022-06-05.

Conditions:
Inborn genetic diseases. Identifiers: MedGen C0950123, MeSH D030342.

Allele frequency attached by ClinVar (database versions not stated): gnomAD exomes below 0.00001.
gnomAD v4.1: 1 of 1,614,172 alleles (0.000062%); highest among the groups gnomAD compares: Non-Finnish European, 0.000085%; no homozygotes.

Submissions (2):

Ambry Genetics
Classification: Uncertain significance for Inborn genetic diseases. Last evaluated: 2022-06-05. Review status: criteria provided, single submitter. Criteria: Ambry Variant Classification Scheme 2023. Collection method: clinical testing. Allele origin: germline.
Comment: The p.T542I variant (also known as c.1625C>T), located in coding exon 12 of the ACD gene, results from a C to T substitution at nucleotide position 1625. The threonine at codon 542 is replaced by isoleucine, an amino acid with similar properties. This amino acid position is conserved. In addition, this alteration is predicted to be tolerated by in silico analysis. Since supporting evidence is limited at this time, the clinical significance of this alteration remains unclear.

Blueprint Genetics
Classification: Uncertain significance. Last evaluated: 2020-05-28. Review status: criteria provided, single submitter. Criteria: ACMG Guidelines, 2015. Collection method: clinical testing. Allele origin: germline.